The following is an entry in ClinVar:

ClinVar aggregate classification (germline): Uncertain significance (1 of 4 stars; one submission).

Conditions:
Retinitis pigmentosa 25 (RP25). Identifiers: Orphanet 791, MedGen C1864446, MONDO:0011272, OMIM 602772.

Submission:

Myriad Genetics, Inc.
Classification: Uncertain significance for Retinitis pigmentosa 25. Last evaluated: 2026-02-25. Review status: criteria provided, single submitter. Criteria: Myriad Autosomal Dominant, Autosomal Recessive and X-Linked Classification Criteria (2023). Collection method: clinical testing. Allele origin: unknown.
Comment: NM_001142800.1(EYS):c.6726_6740del15(Y2243_V2247del) is an in-frame deletion classified as a variant of uncertain significance in the context of retinitis pigmentosa, EYS-related. Y2243_V2247del has not been observed in cases with relevant disease. Relevant functional assessments of this variant are not available in the literature. Y2243_V2247del has not been observed in referenced population frequency databases. In summary, there is insufficient evidence to classify NM_001142800.1(EYS):c.6726_6740del15(Y2243_V2247del) as pathogenic or benign. Please note: this variant was assessed in the context of healthy population screening.

NM_001142800.2(EYS):c.6726_6740del (p.Tyr2243_Val2247del)

Gene: EYS (EGF-like photoreceptor maintenance factor; minus strand). Cytogenetic location: 6q12.
Variant type: Deletion.
Coding change: c.6726_6740del on transcript NM_001142800.2 (MANE Select); coding-DNA positions 6726 to 6740, 15 bases deleted (CTACACAACGCCTGT).
Protein change: p.Tyr2243_Val2247del.
Molecular consequence: inframe deletion.
Genome position (GRCh38, 1-based): chr6:63,999,169-63,999,183, ACAGGCGTTGTGTAG deleted on the plus strand (CTACACAACGCCTGT on the coding strand, the reverse complement: EYS is on the minus strand). VCF-style (leftmost placement, unchanged base first): chr6-63999168-AACAGGCGTTGTGTAG-A. GRCh37 (hg19) VCF-style: chr6-64709061-AACAGGCGTTGTGTAG-A.
Other names: c.6726_6740del, p.Tyr2243_Val2247del (NM_001292009.2).
Identifiers: ClinVar variation 5004496 (VCV005004496.1).